The following is an entry in ClinVar:

NM_005896.4(IDH1):c.439C>T (p.Pro147Ser)

Gene: IDH1 (isocitrate dehydrogenase (NADP(+)) 1; minus strand). Cytogenetic location: 2q34.
Variant type: single nucleotide variant.
Coding change: c.439C>T on transcript NM_005896.4 (MANE Select); coding-DNA position 439, C replaced by T.
Protein change: p.Pro147Ser; replaces proline 147 with serine.
Molecular consequence: missense variant.
Genome position (GRCh38, 1-based): chr2:208,245,400, G>A on the plus strand (C>T on the coding strand, the complement: IDH1 is on the minus strand). VCF-style: chr2-208245400-G-A. GRCh37 (hg19) VCF-style: chr2-209110124-G-A.
Other names: c.439C>T, p.Pro147Ser (NM_001282386.1, NM_001282387.1); short protein forms P147S.
Identifiers: ClinVar variation 1740282 (VCV001740282.2), dbSNP rs766372640, ClinGen allele CA2079007.

ClinVar aggregate classification (germline): Uncertain significance (1 of 4 stars; one submission).

Allele frequency attached by ClinVar (database versions not stated): gnomAD exomes below 0.00001; ExAC 0.00001.

Submission:

Ambry Genetics
Classification: Uncertain significance. Last evaluated: 2021-11-14. Review status: criteria provided, single submitter. Criteria: Ambry Variant Classification Scheme 2023. Collection method: clinical testing. Allele origin: germline.
Comment: The p.P147S variant (also known as c.439C>T), located in coding exon 3 of the IDH1 gene, results from a C to T substitution at nucleotide position 439. The proline at codon 147 is replaced by serine, an amino acid with similar properties. This amino acid position is conserved. In addition, the in silico prediction for this alteration is inconclusive. Since supporting evidence is limited at this time, the clinical significance of this alteration remains unclear.